The following is an entry in ClinVar:

NM_031844.3(HNRNPU):c.235G>A (p.Ala79Thr)

Gene: HNRNPU (heterogeneous nuclear ribonucleoprotein U; minus strand). Cytogenetic location: 1q44.
Variant type: single nucleotide variant.
Coding change: c.235G>A on transcript NM_031844.3 (MANE Select); coding-DNA position 235, G replaced by A.
Protein change: p.Ala79Thr; replaces alanine 79 with threonine.
Molecular consequence: missense variant.
Genome position (GRCh38, 1-based): chr1:244,864,073, C>T on the plus strand (G>A on the coding strand, the complement: HNRNPU is on the minus strand). VCF-style: chr1-244864073-C-T. GRCh37 (hg19) VCF-style: chr1-245027375-C-T.
Other names: c.235G>A, p.Ala79Thr (NM_004501.3); short protein forms A79T.
Identifiers: ClinVar variation 575422 (VCV000575422.9), dbSNP rs1245925607, ClinGen allele CA345497582.

ClinVar aggregate classification (germline): Uncertain significance (1 of 4 stars; one submission).

Conditions:
Developmental and epileptic encephalopathy, 54. Also called: HNRNPU-Related Neurodevelopmental Disorder; Epileptic encephalopathy, early infantile, 54. Identifiers: MedGen C4479319, MONDO:0033363, OMIM 617391.

Allele frequency attached by ClinVar (database versions not stated): gnomAD exomes below 0.00001; TOPMed below 0.00001; gnomAD 0.00001.
gnomAD v4.1: 3 of 1,601,350 alleles (0.00019%); highest among the groups gnomAD compares: Admixed American, 0.0017%; no homozygotes.

Submission:

Labcorp Genetics (formerly Invitae), Labcorp
Classification: Uncertain significance for Developmental and epileptic encephalopathy, 54. Last evaluated: 2024-03-21. Review status: criteria provided, single submitter. Criteria: Invitae Variant Classification Sherloc (09022015). Collection method: clinical testing. Allele origin: germline.
Comment: This sequence change replaces alanine, which is neutral and non-polar, with threonine, which is neutral and polar, at codon 79 of the HNRNPU protein (p.Ala79Thr). The frequency data for this variant in the population databases is considered unreliable, as metrics indicate poor data quality at this position in the gnomAD database. This variant has not been reported in the literature in individuals affected with HNRNPU-related conditions. ClinVar contains an entry for this variant (Variation ID: 575422). An algorithm developed to predict the effect of missense changes on protein structure and function (PolyPhen-2) suggests that this variant is likely to be disruptive. In summary, the available evidence is currently insufficient to determine the role of this variant in disease. Therefore, it has been classified as a Variant of Uncertain Significance.